The following is an entry in ClinVar:

ClinVar aggregate classification (germline): Uncertain significance (1 of 4 stars; one submission).

Conditions:
Charcot-Marie-Tooth disease type 4. Also called: Charcot-Marie-Tooth, Type 4; Charcot-Marie-Tooth disease, type IV. Identifiers: Orphanet 64749, MedGen C4082197, MONDO:0018995.

gnomAD v4.1: 2 of 1,614,168 alleles (0.00012%); no homozygotes.

Submission:

Labcorp Genetics (formerly Invitae), Labcorp
Classification: Uncertain significance for Charcot-Marie-Tooth disease type 4. Last evaluated: 2019-12-04. Review status: criteria provided, single submitter. Criteria: Invitae Variant Classification Sherloc (09022015). Collection method: clinical testing. Allele origin: germline.
Comment: This sequence change replaces aspartic acid with glutamic acid at codon 1670 of the SBF2 protein (p.Asp1670Glu). The aspartic acid residue is weakly conserved and there is a small physicochemical difference between aspartic acid and glutamic acid. This variant is not present in population databases (ExAC no frequency). This variant has not been reported in the literature in individuals with SBF2-related conditions. Algorithms developed to predict the effect of missense changes on protein structure and function (SIFT, PolyPhen-2, Align-GVGD) all suggest that this variant is likely to be tolerated, but these predictions have not been confirmed by published functional studies and their clinical significance is uncertain. In summary, the available evidence is currently insufficient to determine the role of this variant in disease. Therefore, it has been classified as a Variant of Uncertain Significance.

NM_030962.4(SBF2):c.5010C>A (p.Asp1670Glu)

Genes: SBF2 (SET binding factor 2; minus strand), SBF2-AS1 (SBF2 antisense RNA 1; plus strand), LOC105369149 (uncharacterized LOC105369149; plus strand). Cytogenetic location: 11p15.4.
Variant type: single nucleotide variant.
Coding change: c.5010C>A on transcript NM_030962.4 (MANE Select); coding-DNA position 5010, C replaced by A.
Protein change: p.Asp1670Glu; replaces aspartic acid 1670 with glutamic acid.
Molecular consequence: missense variant.
Genome position (GRCh38, 1-based): chr11:9,787,661, G>T on the plus strand (C>A on the coding strand, the complement: SBF2 is on the minus strand). VCF-style: chr11-9787661-G-T. GRCh37 (hg19) VCF-style: chr11-9809208-G-T.
Other names: c.5106C>A, p.Asp1702Glu (NM_001386339.1); c.4881C>A, p.Asp1627Glu (NM_001386342.1); short protein forms D1670E, D1627E, D1702E.
Identifiers: ClinVar variation 847656 (VCV000847656.10), dbSNP rs142672124, ClinGen allele CA379632659.
Genomic context (GRCh38, chr11:9,787,661, plus strand): 5'-AGAAGTGGCTCTCAAGGGGCATTGCCAACTCACGCGATCTGTTCTTGGTTCTTCTTTAAG[G>T]TCCACGGTTACCCTTTCCCACAGCTGCTGCCACTTCTCAGGGGCTTGGTTCAATTTGTGC-3'
Protein context (NP_112224.1, residues 1660-1680): WQQLWERVTV[Asp1670Glu]LKEEPRTDRS